The following is an entry in ClinVar:

NM_015978.3(TNNI3K):c.1501T>A (p.Ser501Thr)

Genes: FPGT-TNNI3K (FPGT-TNNI3K readthrough; plus strand), TNNI3K (TNNI3 interacting kinase; plus strand). Cytogenetic location: 1p31.1.
Variant type: single nucleotide variant.
Coding change: c.1501T>A on transcript NM_015978.3 (MANE Select); coding-DNA position 1501, T replaced by A.
Protein change: p.Ser501Thr; replaces serine 501 with threonine.
Molecular consequence: missense variant.
Genome position (GRCh38, 1-based): chr1:74,369,419, T>A. VCF-style: chr1-74369419-T-A. GRCh37 (hg19) VCF-style: chr1-74835103-T-A.
Other names: c.1804T>A, p.Ser602Thr (NM_001112808.3, NM_001199327.2); short protein forms S501T, S602T.
Identifiers: ClinVar variation 1448347 (VCV001448347.7), dbSNP rs1259953920, ClinGen allele CA340786108.
Genomic context (GRCh38, chr1:74,369,419, plus strand): 5'-TACTGAAGATTTTCTGTTGCTGCCATTTCCAGTTATCGAGCCAATACCTACTGCTCCAAG[T>A]CAGATGTGGATATGTTTTGCCGAGAGGTGTCCATTCTCTGCCAGCTCAATCATCCCTGCG-3'
Protein context (NP_057062.1, residues 491-511): RYRANTYCSK[Ser501Thr]DVDMFCREVS

ClinVar aggregate classification (germline): Uncertain significance. Review status: criteria provided, multiple submitters, no conflicts (2 of 4 stars). 2 submissions from 2 submitters: Uncertain significance (2). Last evaluated 2026-07-07.

Conditions:
Primary familial hypertrophic cardiomyopathy (HCM). Identifiers: Orphanet 99739, MedGen C0949658, MeSH D024741, MONDO:0024573. Inheritance: Various modes of inheritance.

Allele frequency attached by ClinVar (database versions not stated): gnomAD exomes 0.00001 and below 0.00001; gnomAD 0.00001.
gnomAD v4.1: 6 of 1,611,414 alleles (0.00037%); highest among the groups gnomAD compares: African/African-American, 0.0027%; no homozygotes.

Submissions (2):

Petrovsky National Research Centre of Surgery, The Federal Agency for Scientific Organizations
Classification: Uncertain significance for Primary familial hypertrophic cardiomyopathy. Last evaluated: 2026-07-07. Review status: criteria provided, single submitter. Criteria: ACMG Guidelines, 2015. Collection method: research. Allele origin: unknown. Inheritance: Autosomal dominant inheritance. Affected: yes. Observed: 1 variant allele, 1 heterozygote.
Comment: This variant is in The Genome Aggregation Database (gnomAD) v4.1.0 with total AF=0.00002230 (Date of access 07-07-2026). Computational evidence is inconclusive for this variant: REVEL Score=0.593.

Labcorp Genetics (formerly Invitae), Labcorp
Classification: Uncertain significance. Last evaluated: 2025-11-22. Review status: criteria provided, single submitter. Criteria: Invitae Variant Classification Sherloc (09022015). Collection method: clinical testing. Allele origin: germline.
Comment: This sequence change replaces serine, which is neutral and polar, with threonine, which is neutral and polar, at codon 501 of the TNNI3K protein (p.Ser501Thr). This variant is present in population databases (no rsID available, gnomAD 0.004%). This variant has not been reported in the literature in individuals affected with TNNI3K-related conditions. ClinVar contains an entry for this variant (Variation ID: 1448347). Invitae Evidence Modeling of protein sequence and biophysical properties (such as structural, functional, and spatial information, amino acid conservation, physicochemical variation, residue mobility, and thermodynamic stability) indicates that this missense variant is not expected to disrupt TNNI3K protein function with a negative predictive value of 80%. In summary, the available evidence is currently insufficient to determine the role of this variant in disease. Therefore, it has been classified as a Variant of Uncertain Significance.